The following is an entry in ClinVar:

ClinVar aggregate classification (germline): Uncertain significance (1 of 4 stars; one submission).

Conditions:
DICER1-related tumor predisposition. Also called: DICER1-related pleuropulmonary blastoma cancer predisposition syndrome; DICER1 syndrome. Identifiers: Orphanet 284343, MedGen C3839822, MONDO:0100216.

Submission:

Labcorp Genetics (formerly Invitae), Labcorp
Classification: Uncertain significance for DICER1-related tumor predisposition. Last evaluated: 2024-09-04. Review status: criteria provided, single submitter. Criteria: Invitae Variant Classification Sherloc (09022015). Collection method: clinical testing. Allele origin: germline.
Comment: This sequence change replaces histidine, which is basic and polar, with arginine, which is basic and polar, at codon 178 of the DICER1 protein (p.His178Arg). This variant is not present in population databases (gnomAD no frequency). This variant has not been reported in the literature in individuals affected with DICER1-related conditions. Invitae Evidence Modeling of protein sequence and biophysical properties (such as structural, functional, and spatial information, amino acid conservation, physicochemical variation, residue mobility, and thermodynamic stability) indicates that this missense variant is expected to disrupt DICER1 protein function with a positive predictive value of 80%. In summary, the available evidence is currently insufficient to determine the role of this variant in disease. Therefore, it has been classified as a Variant of Uncertain Significance.

NM_177438.3(DICER1):c.533A>G (p.His178Arg)

Gene: DICER1 (dicer 1, ribonuclease III; minus strand). Cytogenetic location: 14q32.13.
Variant type: single nucleotide variant.
Coding change: c.533A>G on transcript NM_177438.3 (MANE Select); coding-DNA position 533, A replaced by G.
Protein change: p.His178Arg; replaces histidine 178 with arginine.
Molecular consequence: missense variant. On other transcripts: 5 prime UTR variant (1), non-coding transcript variant (6), intron variant (1).
Genome position (GRCh38, 1-based): chr14:95,130,098, T>C on the plus strand (A>G on the coding strand, the complement: DICER1 is on the minus strand). VCF-style: chr14-95130098-T-C. GRCh37 (hg19) VCF-style: chr14-95596435-T-C.
Other names: c.533A>G, p.His178Arg (NM_001195573.1, NM_001271282.3, NM_001291628.2 and 14 more transcripts); c.251A>G, p.His84Arg (NM_001395686.1); c.128A>G, p.His43Arg (NM_001395687.1, NM_001395688.1, NM_001395689.1 and 3 more transcripts); c.-1036A>G (NM_001395697.1); c.-20-15A>G (NM_001395691.1); short protein forms H84R, H178R, H43R.
Identifiers: ClinVar variation 3664576 (VCV003664576.2).